The following is an entry in ClinVar:

NM_001127644.2(GABRA1):c.478C>T (p.Leu160=)

Gene: GABRA1 (gamma-aminobutyric acid type A receptor subunit alpha1; plus strand). Cytogenetic location: 5q34.
Variant type: single nucleotide variant.
Coding change: c.478C>T on transcript NM_001127644.2 (MANE Select); coding-DNA position 478, C replaced by T.
Protein change: p.Leu160=; no amino-acid change (leucine 160 retained).
Molecular consequence: synonymous variant.
Genome position (GRCh38, 1-based): chr5:161,875,561, C>T. VCF-style: chr5-161875561-C-T. GRCh37 (hg19) VCF-style: chr5-161302567-C-T.
Other names: c.478C>T, p.Leu160= (NM_000806.5, NM_001127643.2, NM_001127645.2 and 1 more transcripts).
Identifiers: ClinVar variation 518123 (VCV000518123.8), dbSNP rs1269683161, ClinGen allele CA447609115.

ClinVar aggregate classification (germline): Likely benign. Review status: criteria provided, multiple submitters, no conflicts (2 of 4 stars). 2 submissions from 2 submitters: Likely benign (2). Last evaluated 2023-11-27.

Conditions:
Idiopathic generalized epilepsy. Also called: Generalised epilepsy; EIG. Identifiers: MedGen C0270850, MONDO:0005579, OMIM 600669.
Epilepsy, idiopathic generalized, susceptibility to, 13. Also called: EPILEPSY, JUVENILE MYOCLONIC, SUSCEPTIBILITY TO, 5. Identifiers: Orphanet 307, Orphanet 64280, MedGen C4013473, MONDO:0012627, OMIM 611136.
Epilepsy, childhood absence 4 (ECA4). Also called: EPILEPSY, CHILDHOOD ABSENCE, SUSCEPTIBILITY TO, 4. Identifiers: Orphanet 307, MedGen C1970160.

Allele frequency attached by ClinVar (database versions not stated): gnomAD exomes below 0.00001; gnomAD 0.00001; TOPMed 0.00001.
gnomAD v4.1: 4 of 1,612,270 alleles (0.00025%); highest among the groups gnomAD compares: African/African-American, 0.0053%; no homozygotes.

Submissions (2):

Labcorp Genetics (formerly Invitae), Labcorp
Classification: Likely benign for Epilepsy, childhood absence 4; Epilepsy, idiopathic generalized, susceptibility to, 13; Idiopathic generalized epilepsy. Last evaluated: 2023-11-27. Review status: criteria provided, single submitter. Criteria: Invitae Variant Classification Sherloc (09022015). Collection method: clinical testing. Allele origin: germline.

GeneDx
Classification: Likely benign. Last evaluated: 2017-06-22. Review status: criteria provided, single submitter. Criteria: GeneDx Variant Classification (06012015). Collection method: clinical testing. Allele origin: germline. Affected: yes.
Comment: This variant is considered likely benign or benign based on one or more of the following criteria: it is a conservative change, it occurs at a poorly conserved position in the protein, it is predicted to be benign by multiple in silico algorithms, and/or has population frequency not consistent with disease.